The following is an entry in ClinVar:

ClinVar aggregate classification (germline): Uncertain significance. Review status: criteria provided, multiple submitters, no conflicts (2 of 4 stars). 2 submissions from 2 submitters: Uncertain significance (2). Last evaluated 2025-09-17.

Submissions (2):

Labcorp Genetics (formerly Invitae), Labcorp
Classification: Uncertain significance. Last evaluated: 2025-09-17. Review status: criteria provided, single submitter. Criteria: Invitae Variant Classification Sherloc (09022015). Collection method: clinical testing. Allele origin: germline.
Comment: This sequence change replaces glutamic acid, which is acidic and polar, with lysine, which is basic and polar, at codon 131 of the SPTB protein (p.Glu131Lys). This variant is not present in population databases (gnomAD no frequency). This variant has not been reported in the literature in individuals affected with SPTB-related conditions. ClinVar contains an entry for this variant (Variation ID: 3766656). An algorithm developed to predict the effect of missense changes on protein structure and function (PolyPhen-2) suggests that this variant is likely to be disruptive. In summary, the available evidence is currently insufficient to determine the role of this variant in disease. Therefore, it has been classified as a Variant of Uncertain Significance.

ARUP Laboratories, Molecular Genetics and Genomics, ARUP Laboratories
Classification: Uncertain significance. Last evaluated: 2024-06-07. Review status: criteria provided, single submitter. Criteria: ARUP Molecular Germline Variant Investigation Process 2024. Collection method: clinical testing. Allele origin: germline.

NM_001355436.2(SPTB):c.391G>A (p.Glu131Lys)

Gene: SPTB (spectrin beta, erythrocytic; minus strand). Cytogenetic location: 14q23.3.
Variant type: single nucleotide variant.
Coding change: c.391G>A on transcript NM_001355436.2 (MANE Select); coding-DNA position 391, G replaced by A.
Protein change: p.Glu131Lys; replaces glutamic acid 131 with lysine.
Molecular consequence: missense variant.
Genome position (GRCh38, 1-based): chr14:64,803,690, C>T on the plus strand (G>A on the coding strand, the complement: SPTB is on the minus strand). VCF-style: chr14-64803690-C-T. GRCh37 (hg19) VCF-style: chr14-65270408-C-T.
Other names: c.391G>A, p.Glu131Lys (NM_001024858.4, NM_001355437.2); short protein forms E131K.
Identifiers: ClinVar variation 3766656 (VCV003766656.2).
Genomic context (GRCh38, chr14:64,803,690, plus strand): 5'-AGATGAGGCCCAGGACCAGGCGGTGGTTGCCATCTACAATGTCGTGGGAGCCCATGTTCT[C>T]CAGGTGTACACGCTGCTCCTTGAGGAACTGGAGAGCCTTGTCCACATTCTCCAGGCAGTG-3'
Protein context (NP_001342365.1, residues 121-141): QFLKEQRVHL[Glu131Lys]NMGSHDIVDG